The following is an entry in ClinVar:

NM_024513.4(FYCO1):c.265_267delinsTGA (p.Arg89Ter)

Gene: FYCO1 (FYVE and coiled-coil domain autophagy adaptor 1; minus strand). Cytogenetic location: 3p21.31.
Variant type: Indel.
Coding change: c.265_267delinsTGA on transcript NM_024513.4 (MANE Select); coding-DNA positions 265 to 267, CGC replaced by TGA.
Protein change: p.Arg89Ter; replaces arginine 89 with a stop codon.
Molecular consequence: nonsense. On other transcripts: non-coding transcript variant (1), intron variant (1).
Genome position (GRCh38, 1-based): chr3:45,979,726-45,979,728, GCG replaced by TCA on the plus strand (CGC replaced by TGA on the coding strand, the reverse complement: FYCO1 is on the minus strand). VCF-style: chr3-45979726-GCG-TCA. GRCh37 (hg19) VCF-style: chr3-46021218-GCG-TCA.
Other names: c.265_267delinsTGA, p.Arg89Ter (NM_001386421.1, NM_001386422.1, NM_001386423.1 and 5 more transcripts); c.145_147delinsTGA, p.Arg49Ter (NM_001386426.1); c.-62+5128_-62+5130delinsTGA (NM_001386430.1); c.265_267delinsTGA (NM_024513.3); short protein forms R49*, R89*.
Identifiers: ClinVar variation 1709262 (VCV001709262.3), dbSNP rs2529040601, ClinGen allele CA2580069868.

ClinVar aggregate classification (germline): Pathogenic. Review status: criteria provided, multiple submitters, no conflicts (2 of 4 stars). 2 submissions from 2 submitters: Pathogenic (2). Last evaluated 2024-06-10.

Conditions:
Cataract 18 (CATC2). Also called: CATARACT 18, AUTOSOMAL RECESSIVE. Identifiers: Orphanet 91492, Orphanet 98991, Orphanet 98992, Orphanet 98995, MedGen C1864908, MONDO:0012395, OMIM 610019.

Submissions (2):

GeneDx
Classification: Pathogenic. Last evaluated: 2024-06-10. Review status: criteria provided, single submitter. Criteria: GeneDx Variant Classification Process June 2021. Collection method: clinical testing. Allele origin: germline. Affected: yes.
Comment: Not observed at significant frequency in large population cohorts (gnomAD); Nonsense variant predicted to result in protein truncation or nonsense mediated decay in a gene for which loss of function is a known mechanism of disease; This variant is associated with the following publications: (PMID: 36274208)

MGZ Medical Genetics Center
Classification: Pathogenic for Cataract 18. Last evaluated: 2022-03-04. Review status: criteria provided, single submitter. Criteria: ACMG Guidelines, 2015. Collection method: clinical testing. Allele origin: germline. Affected: yes. Observed: 3 variant alleles.
Comment: ACMG criteria applied: PVS1, PM2_SUP, PM3_SUP